The following is an entry in ClinVar:

NM_000352.6(ABCC8):c.544del (p.Leu182fs)

Gene: ABCC8 (ATP binding cassette subfamily C member 8; minus strand). Cytogenetic location: 11p15.1.
Variant type: Deletion.
Coding change: c.544del on transcript NM_000352.6 (MANE Select); coding-DNA position 544, one base deleted (C; older notation c.544delC).
Protein change: p.Leu182fs; shifts the reading frame from leucine 182.
Molecular consequence: frameshift variant. On other transcripts: non-coding transcript variant (1).
Genome position (GRCh38, 1-based): chr11:17,463,473, G deleted on the plus strand (C on the coding strand, the reverse complement: ABCC8 is on the minus strand). VCF-style (leftmost placement, unchanged base first): chr11-17463472-AG-A. GRCh37 (hg19) VCF-style: chr11-17485019-AG-A.
Other names: c.544del, p.Leu182fs (NM_001287174.3, NM_001351295.2, NM_001351296.2 and 1 more transcripts); short protein forms L182fs.
Identifiers: ClinVar variation 1455356 (VCV001455356.6), dbSNP rs2133686985, ClinGen allele CA2573146158.

ClinVar aggregate classification (germline): Pathogenic (1 of 4 stars; one submission).

Submission:

Labcorp Genetics (formerly Invitae), Labcorp
Classification: Pathogenic. Last evaluated: 2021-02-18. Review status: criteria provided, single submitter. Criteria: Invitae Variant Classification Sherloc (09022015). Collection method: clinical testing. Allele origin: germline.
Comment: This variant has not been reported in the literature in individuals with ABCC8-related conditions. This sequence change creates a premature translational stop signal (p.Leu182Cysfs*11) in the ABCC8 gene. It is expected to result in an absent or disrupted protein product. Loss-of-function variants in ABCC8 are known to be pathogenic (PMID: 20685672, 23345197). This variant is not present in population databases (ExAC no frequency). For these reasons, this variant has been classified as Pathogenic.

Literature cited by the submitters: PubMed 20685672; PubMed 23345197.